The following is an entry in ClinVar:

ClinVar aggregate classification (germline): Uncertain significance (1 of 4 stars; one submission).

Conditions:
Hypertrophic cardiomyopathy. Also called: HYPERTROPHIC MYOCARDIOPATHY. Identifiers: Orphanet 217569, MedGen C0007194, MeSH D002312, MONDO:0005045, HP:0001639.

Allele frequency attached by ClinVar (database versions not stated): gnomAD exomes below 0.00001.
gnomAD v4.1: 1 of 1,614,170 alleles (0.000062%); highest among the groups gnomAD compares: Non-Finnish European, 0.000085%; no homozygotes.

Submission:

Labcorp Genetics (formerly Invitae), Labcorp
Classification: Uncertain significance for Hypertrophic cardiomyopathy. Last evaluated: 2026-01-10. Review status: criteria provided, single submitter. Criteria: Invitae Variant Classification Sherloc (09022015). Collection method: clinical testing. Allele origin: germline.
Comment: This sequence change replaces leucine, which is neutral and non-polar, with isoleucine, which is neutral and non-polar, at codon 1477 of the MYH7 protein (p.Leu1477Ile). This variant is not present in population databases (gnomAD no frequency). This variant has not been reported in the literature in individuals affected with MYH7-related conditions. ClinVar contains an entry for this variant (Variation ID: 1002844). Invitae Evidence Modeling of protein sequence and biophysical properties (such as structural, functional, and spatial information, amino acid conservation, physicochemical variation, residue mobility, and thermodynamic stability) indicates that this missense variant is expected to disrupt MYH7 protein function with a positive predictive value of 95%. In summary, the available evidence is currently insufficient to determine the role of this variant in disease. Therefore, it has been classified as a Variant of Uncertain Significance.

NM_000257.4(MYH7):c.4429C>A (p.Leu1477Ile)

Genes: MHRT (myosin heavy chain associated RNA transcript; plus strand), MYH7 (myosin heavy chain 7; minus strand). Cytogenetic location: 14q11.2.
Variant type: single nucleotide variant.
Coding change: c.4429C>A on transcript NM_000257.4 (MANE Select); coding-DNA position 4429, C replaced by A.
Protein change: p.Leu1477Ile; replaces leucine 1477 with isoleucine.
Molecular consequence: missense variant. On other transcripts: non-coding transcript variant (1).
Genome position (GRCh38, 1-based): chr14:23,417,243, G>T on the plus strand (C>A on the coding strand, the complement: MYH7 is on the minus strand). VCF-style: chr14-23417243-G-T. GRCh37 (hg19) VCF-style: chr14-23886452-G-T.
Other names: short protein forms L1477I.
Identifiers: ClinVar variation 1002844 (VCV001002844.8), dbSNP rs1892255625, ClinGen allele CA389038522.
Genomic context (GRCh38, chr14:23,417,243, plus strand): 5'-TCTCCAGATGTTCCAGGGACTCCTCATAGGCGTTCTTGAGTTTGAAGAGCTCTGTGCTGA[G>T]GGAGCGAGCCTCCTTCTGCGAGGACTCCAGCTCCGACTGCGACTCCTCATACTTCTGCTT-3'
Protein context (NP_000248.2, residues 1467-1487): LESSQKEARS[Leu1477Ile]STELFKLKNA